The following is an entry in ClinVar:

NM_001085049.3(MRAS):c.424A>C (p.Lys142Gln)

Gene: MRAS (muscle RAS oncogene homolog; plus strand). Cytogenetic location: 3q22.3.
Variant type: single nucleotide variant.
Coding change: c.424A>C on transcript NM_001085049.3 (MANE Select); coding-DNA position 424, A replaced by C.
Protein change: p.Lys142Gln; replaces lysine 142 with glutamine.
Molecular consequence: missense variant.
Genome position (GRCh38, 1-based): chr3:138,398,545, A>C. VCF-style: chr3-138398545-A-C. GRCh37 (hg19) VCF-style: chr3-138117387-A-C.
Other names: c.424A>C, p.Lys142Gln (NM_001252090.2, NM_012219.4); c.196A>C, p.Lys66Gln (NM_001252091.1, NM_001252092.2, NM_001252093.2); short protein forms K142Q, K66Q.
Identifiers: ClinVar variation 1525800 (VCV001525800.6), dbSNP rs772334762, ClinGen allele CA2637015.

ClinVar aggregate classification (germline): Uncertain significance (1 of 4 stars; one submission).

Allele frequency attached by ClinVar (database versions not stated): gnomAD exomes below 0.00001; ExAC 0.00001; gnomAD 0.00001; TOPMed 0.00001.
gnomAD v4.1: 4 of 1,614,032 alleles (0.00025%); highest among the groups gnomAD compares: Non-Finnish European, 0.00034%; no homozygotes.

Submission:

Labcorp Genetics (formerly Invitae), Labcorp
Classification: Uncertain significance. Last evaluated: 2023-11-04. Review status: criteria provided, single submitter. Criteria: Invitae Variant Classification Sherloc (09022015). Collection method: clinical testing. Allele origin: germline.
Comment: This sequence change replaces lysine, which is basic and polar, with glutamine, which is neutral and polar, at codon 142 of the MRAS protein (p.Lys142Gln). This variant is present in population databases (rs772334762, gnomAD 0.0009%). This variant has not been reported in the literature in individuals affected with MRAS-related conditions. ClinVar contains an entry for this variant (Variation ID: 1525800). An algorithm developed to predict the effect of missense changes on protein structure and function (PolyPhen-2) suggests that this variant is likely to be tolerated. In summary, the available evidence is currently insufficient to determine the role of this variant in disease. Therefore, it has been classified as a Variant of Uncertain Significance.